The following is an entry in ClinVar:

ClinVar aggregate classification (germline): Benign/Likely benign. Review status: criteria provided, multiple submitters, no conflicts (2 of 4 stars). 3 submissions from 3 submitters: Benign (1); Likely benign (2). Last evaluated 2026-02-03.

Conditions:
Retinitis pigmentosa (RP). Identifiers: Orphanet 791, MedGen C0035334, MeSH D012174, MONDO:0019200, OMIM 268000. Inheritance: Autosomal dominant, autosomal recessive and X linked inheritance.

Allele frequency attached by ClinVar (database versions not stated): gnomAD exomes 0.00070 and 0.00179; ExAC 0.00217; gnomAD 0.00745 and 0.00818; 1000 Genomes Project 0.00759; 1000 Genomes Project 30x 0.00781; TOPMed 0.00850; ESP Exome Variant Server 0.00853.
gnomAD v4.1: 2,217 of 1,614,240 alleles (0.14%); highest among the groups gnomAD compares: African/African-American, 2.6%; 27 homozygotes.

Submissions (3):

Labcorp Genetics (formerly Invitae), Labcorp
Classification: Benign. Last evaluated: 2026-02-03. Review status: criteria provided, single submitter. Criteria: Invitae Variant Classification Sherloc (09022015). Collection method: clinical testing. Allele origin: germline.

Illumina Laboratory Services, Illumina
Classification: Likely benign for Retinitis pigmentosa. Last evaluated: 2018-01-12. Review status: criteria provided, single submitter. Criteria: ICSL Variant Classification Criteria 13 December 2019. Collection method: clinical testing. Allele origin: germline.
Comment: This variant was observed in the ICSL laboratory as part of a predisposition screen in an ostensibly healthy population. It had not been previously curated by ICSL or reported in the Human Gene Mutation Database (HGMD: prior to June 1st, 2018), and was therefore a candidate for classification through an automated scoring system. Utilizing variant allele frequency, disease prevalence and penetrance estimates, and inheritance mode, an automated score was calculated to assess if this variant is too frequent to cause the disease. Based on the score and internal cut-off values, a variant classified as likely benign is not then subjected to further curation. The score for this variant resulted in a classification of likely benign for this disease.

Breakthrough Genomics
Classification: Likely benign. Review status: criteria provided, single submitter. Criteria: ACMG Guidelines, 2015. Collection method: not provided. Allele origin: germline. Inheritance: Autosomal recessive inheritance. Affected: yes.

NM_006899.5(IDH3B):c.1047G>A (p.Val349=)

Gene: IDH3B (isocitrate dehydrogenase (NAD(+)) 3 non-catalytic subunit beta; minus strand). Cytogenetic location: 20p13.
Variant type: single nucleotide variant.
Coding change: c.1047G>A on transcript NM_006899.5 (MANE Select); coding-DNA position 1047, G replaced by A.
Protein change: p.Val349=; no amino-acid change (valine 349 retained).
Molecular consequence: synonymous variant. On other transcripts: non-coding transcript variant (1).
Genome position (GRCh38, 1-based): chr20:2,659,549, C>T on the plus strand (G>A on the coding strand, the complement: IDH3B is on the minus strand). VCF-style: chr20-2659549-C-T. GRCh37 (hg19) VCF-style: chr20-2640195-C-T.
Other names: c.1047G>A, p.Val349= (NM_001258384.3, NM_001330763.2, NM_174855.4).
Identifiers: ClinVar variation 338015 (VCV000338015.16), dbSNP rs75848934, ClinGen allele CA9735083.